The following is an entry in ClinVar:

NM_032228.6(FAR1):c.395C>T (p.Thr132Met)

Gene: FAR1 (fatty acyl-CoA reductase 1; plus strand). Cytogenetic location: 11p15.3.
Variant type: single nucleotide variant.
Coding change: c.395C>T on transcript NM_032228.6 (MANE Select); coding-DNA position 395, C replaced by T.
Protein change: p.Thr132Met; replaces threonine 132 with methionine.
Molecular consequence: missense variant.
Genome position (GRCh38, 1-based): chr11:13,707,929, C>T. VCF-style: chr11-13707929-C-T. GRCh37 (hg19) VCF-style: chr11-13729476-C-T.
Other names: short protein forms T132M.
Identifiers: ClinVar variation 1354716 (VCV001354716.6), dbSNP rs1411991716, ClinGen allele CA379856590.

ClinVar aggregate classification (germline): Uncertain significance (1 of 4 stars; one submission).

Allele frequency attached by ClinVar (database versions not stated): gnomAD exomes below 0.00001; gnomAD 0.00001; TOPMed 0.00001.

Submission:

Labcorp Genetics (formerly Invitae), Labcorp
Classification: Uncertain significance. Last evaluated: 2022-07-12. Review status: criteria provided, single submitter. Criteria: Invitae Variant Classification Sherloc (09022015). Collection method: clinical testing. Allele origin: germline.
Comment: This sequence change replaces threonine, which is neutral and polar, with methionine, which is neutral and non-polar, at codon 132 of the FAR1 protein (p.Thr132Met). This variant is not present in population databases (gnomAD no frequency). This variant has not been reported in the literature in individuals affected with FAR1-related conditions. ClinVar contains an entry for this variant (Variation ID: 1354716). Algorithms developed to predict the effect of missense changes on protein structure and function are either unavailable or do not agree on the potential impact of this missense change (SIFT: "Deleterious"; PolyPhen-2: "Probably Damaging"; Align-GVGD: "Class C0"). In summary, the available evidence is currently insufficient to determine the role of this variant in disease. Therefore, it has been classified as a Variant of Uncertain Significance.